The following is an entry in ClinVar:

NM_020975.6(RET):c.626-4_626-3del

Gene: RET (ret proto-oncogene; plus strand). Cytogenetic location: 10q11.21.
Variant type: Microsatellite.
Coding change: c.626-4_626-3del on transcript NM_020975.6 (MANE Select); 4 bases into the intron before coding-DNA position 626 through 3 bases into the intron before coding-DNA position 626, 2 bases deleted (GC; older notation c.626-4_626-3delGC).
Molecular consequence: intron variant. On other transcripts: 5 prime UTR variant (1).
Genome position (GRCh38, 1-based): chr10:43,104,948-43,104,949, GC deleted; deleting any 2 consecutive bases within chr10:43,104,946-43,104,949 gives the same sequence; the c. name uses the placement nearest the transcript's 3' end. VCF-style (leftmost placement, unchanged base first): chr10-43104945-TGC-T. GRCh37 (hg19) VCF-style: chr10-43600393-TGC-T.
Other names: c.-143GC[1] (NM_001355216.2); c.626-4_626-3del (NM_020630.7, NM_001406743.1, NM_001406744.1 and 6 more transcripts); c.625+2319_625+2320del (NM_001406773.1, NM_001406771.1, NM_001406782.1 and 5 more transcripts); c.497-4_497-3del (NM_001406764.1, NM_001406762.1, NM_001406761.1 and 2 more transcripts); c.496+2319_496+2320del (NM_001406786.1, NM_001406783.1); c.338-4_338-3del (NM_001406770.1, NM_001406766.1, NM_001406767.1); c.338-4083_338-4082del (NM_001406778.1, NM_001406775.1, NM_001406776.1 and 1 more transcripts); c.337+4226_337+4227del (NM_001406790.1, NM_001406788.1, NM_001406789.1 and 1 more transcripts); and 2 more.
Identifiers: ClinVar variation 4545328 (VCV004545328.1).
Genomic context (GRCh38, chr10:43,104,945, plus strand): 5'-CCGAGGAAAGCGGCTGGCCCGGTCCCGGCTGGTGATCACGCGGGGCCCCTGTCTGCTTGG[TGC>T]GCAGGTGAGGGTCTGCCCTTCCGCTGCGCCCCGGACAGCCTGGAGGTGAGCACGCGCTGG-3'

ClinVar aggregate classification (germline): Uncertain significance (1 of 4 stars; one submission).

Conditions:
Hereditary cancer-predisposing syndrome. Also called: Tumor predisposition; Hereditary Cancer Syndrome; Hereditary neoplastic syndrome; Neoplastic Syndromes, Hereditary. Identifiers: Orphanet 140162, MedGen C0027672, MeSH D009386, MONDO:0015356.

Submission:

Ambry Genetics
Classification: Uncertain significance for Hereditary cancer-predisposing syndrome. Last evaluated: 2025-09-24. Review status: criteria provided, single submitter. Criteria: Ambry Variant Classification Scheme 2023. Collection method: clinical testing. Allele origin: germline.
Comment: The c.626-4_626-3delGC intronic variant begins 3 nucleotides before coding exon 4 in the RET gene. This variant results from a deletion of 2 nucleotides at positions c.626-4 to 626-3. This nucleotide region is not well conserved in available vertebrate species. In silico splice site analysis predicts that this alteration will not have any significant effect on splicing. Based on the available evidence, the clinical significance of this variant remains unclear.